The following is an entry in ClinVar:

NM_139215.3(TAF15):c.436C>A (p.Gln146Lys)

Gene: TAF15 (TATA-box binding protein associated factor 15; plus strand). Cytogenetic location: 17q12.
Variant type: single nucleotide variant.
Coding change: c.436C>A on transcript NM_139215.3 (MANE Select); coding-DNA position 436, C replaced by A.
Protein change: p.Gln146Lys; replaces glutamine 146 with lysine.
Molecular consequence: missense variant.
Genome position (GRCh38, 1-based): chr17:35,822,785, C>A. VCF-style: chr17-35822785-C-A. GRCh37 (hg19) VCF-style: chr17-34149789-C-A.
Other names: c.427C>A, p.Gln143Lys (NM_003487.4); short protein forms Q143K, Q146K.
Identifiers: ClinVar variation 1311551 (VCV001311551.2), dbSNP rs762891086, ClinGen allele CA290023594.
Genomic context (GRCh38, chr17:35,822,785, plus strand): 5'-CAAGGCTCATATGATGAGCAGTCAAATTATGATCAGCAGCATGATTCCTATAGTCAAAAC[C>A]AGCAGTCCTATCATTCACAAAGGGAAAACTACAGCCACCACACACAAGGTAAGATTTACT-3'
Protein context (NP_631961.1, residues 136-156): DQQHDSYSQN[Gln146Lys]QSYHSQRENY

ClinVar aggregate classification (germline): Uncertain significance (1 of 4 stars; one submission).

Allele frequency attached by ClinVar (database versions not stated): ExAC 0.00001; gnomAD 0.00001; gnomAD exomes 0.00002; TOPMed 0.00002.
gnomAD v4.1: 25 of 1,614,024 alleles (0.0015%); highest among the groups gnomAD compares: Non-Finnish European, 0.002%; no homozygotes.

Submission:

GeneDx
Classification: Uncertain significance. Last evaluated: 2020-01-02. Review status: criteria provided, single submitter. Criteria: GeneDx Variant Classification Process June 2021. Collection method: clinical testing. Allele origin: germline. Affected: yes.
Comment: In silico analysis, which includes protein predictors and evolutionary conservation, supports that this variant does not alter protein structure/function; Has not been previously published as pathogenic or benign to our knowledge